The following is an entry in ClinVar:

NM_000552.5(VWF):c.5751C>G (p.Val1917=)

Gene: VWF (von Willebrand factor; minus strand). Cytogenetic location: 12p13.31.
Variant type: single nucleotide variant.
Coding change: c.5751C>G on transcript NM_000552.5 (MANE Select); coding-DNA position 5751, C replaced by G.
Protein change: p.Val1917=; no amino-acid change (valine 1917 retained).
Molecular consequence: synonymous variant.
Genome position (GRCh38, 1-based): chr12:6,011,708, G>C on the plus strand (C>G on the coding strand, the complement: VWF is on the minus strand). VCF-style: chr12-6011708-G-C. GRCh37 (hg19) VCF-style: chr12-6120874-G-C.
Identifiers: ClinVar variation 5041553 (VCV005041553.1).

ClinVar aggregate classification (germline): Uncertain significance (1 of 4 stars; one submission).

Submission:

CeGaT Center for Human Genetics Tuebingen
Classification: Uncertain significance. Last evaluated: 2026-09-01. Review status: criteria provided, single submitter. Criteria: CeGaT Center For Human Genetics Tuebingen Variant Classification Criteria Version 2. Collection method: clinical testing. Allele origin: germline. Affected: yes. Observed: 1 variant allele.
Comment: VWF: PM2:Supporting, BP4